The following is an entry in ClinVar:

NM_004183.4(BEST1):c.1519T>C (p.Ser507Pro)

Gene: BEST1 (bestrophin 1; plus strand). Cytogenetic location: 11q12.3.
Variant type: single nucleotide variant.
Coding change: c.1519T>C on transcript NM_004183.4 (MANE Select); coding-DNA position 1519, T replaced by C.
Protein change: p.Ser507Pro; replaces serine 507 with proline.
Molecular consequence: missense variant. On other transcripts: non-coding transcript variant (1).
Genome position (GRCh38, 1-based): chr11:61,962,673, T>C. VCF-style: chr11-61962673-T-C. GRCh37 (hg19) VCF-style: chr11-61730145-T-C.
Other names: c.1339T>C, p.Ser447Pro (NM_001139443.3, NM_001300787.2); c.1258T>C, p.Ser420Pro (NM_001300786.2); c.1201T>C, p.Ser401Pro (NM_001363591.3); c.*414T>C (NM_001363592.2); c.547T>C, p.Ser183Pro (NM_001363593.3); short protein forms S507P, S401P, S420P, S183P, S447P.
Identifiers: ClinVar variation 305130 (VCV000305130.58), dbSNP rs141071579, ClinGen allele CA6041073.

ClinVar aggregate classification (germline): Conflicting classifications of pathogenicity. Review status: criteria provided, conflicting classifications (1 of 4 stars). 7 submissions from 7 submitters: Uncertain significance (1); Likely benign (3). 3 of the submissions do not count toward it. Last evaluated 2025-12-01.

Conditions:
BEST1-related disorder. Also called: BEST1-related disorders; BEST1-related condition. Identifiers: MedGen CN239200.
Retinitis pigmentosa (RP). Identifiers: Orphanet 791, MedGen C0035334, MeSH D012174, MONDO:0019200, OMIM 268000. Inheritance: Autosomal dominant, autosomal recessive and X linked inheritance.

Allele frequency attached by ClinVar (database versions not stated): 1000 Genomes Project 0.00040; 1000 Genomes Project 30x 0.00047; TOPMed 0.00067; gnomAD 0.00073 and 0.00076; gnomAD exomes 0.00092 and 0.00114; ExAC 0.00114; ESP Exome Variant Server 0.00123.
gnomAD v4.1: 1,764 of 1,614,174 alleles (0.11%); highest among the groups gnomAD compares: Non-Finnish European, 0.14%; 4 homozygotes.

Submissions (7):

Labcorp Genetics (formerly Invitae), Labcorp
Classification: Likely benign. Last evaluated: 2025-12-01. Review status: criteria provided, single submitter. Criteria: Invitae Variant Classification Sherloc (09022015). Collection method: clinical testing. Allele origin: germline.

Blueprint Genetics
Classification: Likely benign. Last evaluated: 2024-11-21. Review status: criteria provided, single submitter. Criteria: ACMG Guidelines, 2015. Collection method: clinical testing. Allele origin: germline.

CeGaT Center for Human Genetics Tuebingen
Classification: Likely benign. Last evaluated: 2023-07-01. Review status: criteria provided, single submitter. Criteria: CeGaT Center For Human Genetics Tuebingen Variant Classification Criteria Version 2. Collection method: clinical testing. Allele origin: germline. Affected: yes. Observed: 2 variant alleles.
Comment: BEST1: BP4

Illumina Laboratory Services, Illumina
Classification: Uncertain significance for Retinitis pigmentosa. Last evaluated: 2018-01-12. Review status: criteria provided, single submitter. Criteria: ICSL Variant Classification Criteria 13 December 2019. Collection method: clinical testing. Allele origin: germline.

PreventionGenetics, part of Exact Sciences
Classification: Likely benign for BEST1-related condition. Last evaluated: 2022-05-18. Review status: no assertion criteria provided. Collection method: clinical testing. Allele origin: germline. Not counted in ClinVar's aggregate classification.
Comment: This variant is classified as likely benign based on ACMG/AMP sequence variant interpretation guidelines (Richards et al. 2015 PMID: 25741868, with internal and published modifications).

Clinical Genetics DNA and cytogenetics Diagnostics Lab, Erasmus MC, Erasmus Medical Center
Classification: Likely benign. Review status: no assertion criteria provided. Collection method: clinical testing. Allele origin: germline. Affected: yes. Study: VKGL Data-share Consensus. Not counted in ClinVar's aggregate classification.

Clinical Genetics, Academic Medical Center
Classification: Likely benign. Review status: no assertion criteria provided. Collection method: clinical testing. Allele origin: germline. Affected: yes. Study: VKGL Data-share Consensus. Not counted in ClinVar's aggregate classification.